The following is an entry in ClinVar:

NM_001305581.2(LRMDA):c.398+2_398+13del

Gene: LRMDA (leucine rich melanocyte differentiation associated; plus strand). Cytogenetic location: 10q22.3.
Variant type: Deletion.
Coding change: c.398+2_398+13del on transcript NM_001305581.2 (MANE Select); the canonical splice donor site of the intron after coding-DNA position 398 through 13 bases into the intron after coding-DNA position 398, 12 bases deleted (TGAGTGTCCAGG).
Molecular consequence: splice donor variant.
Genome position (GRCh38, 1-based): chr10:76,047,305-76,047,316, TGAGTGTCCAGG deleted; deleting any 12 consecutive bases within chr10:76,047,301-76,047,316 gives the same sequence; the c. name uses the placement nearest the transcript's 3' end. VCF-style (leftmost placement, unchanged base first): chr10-76047300-ACAGGTGAGTGTC-A. GRCh37 (hg19) VCF-style: chr10-77807058-ACAGGTGAGTGTC-A.
Other names: c.314+2_314+13del (NM_032024.5).
Identifiers: ClinVar variation 2859805 (VCV002859805.3), dbSNP rs2492796553, ClinGen allele CA2739275848.

ClinVar aggregate classification (germline): Likely pathogenic (1 of 4 stars; one submission).

Submission:

Labcorp Genetics (formerly Invitae), Labcorp
Classification: Likely pathogenic. Last evaluated: 2023-04-27. Review status: criteria provided, single submitter. Criteria: Invitae Variant Classification Sherloc (09022015). Collection method: clinical testing. Allele origin: germline.
Comment: In summary, the currently available evidence indicates that the variant is pathogenic, but additional data are needed to prove that conclusively. Therefore, this variant has been classified as Likely Pathogenic. Algorithms developed to predict the effect of sequence changes on RNA splicing suggest that this variant may disrupt the consensus splice site. This variant has not been reported in the literature in individuals affected with C10orf11-related conditions. This variant is not present in population databases (gnomAD no frequency). This sequence change affects a splice site in intron 3 of the C10orf11 gene. It is expected to disrupt RNA splicing. Variants that disrupt the donor or acceptor splice site typically lead to a loss of protein function (PMID: 16199547), and loss-of-function variants in C10orf11 are known to be pathogenic (PMID: 23395477, 29345414).

Literature cited by the submitters: PubMed 16199547; PubMed 23395477; PubMed 29345414.